The following is an entry in ClinVar:

ClinVar aggregate classification (germline): Pathogenic. Review status: criteria provided, multiple submitters, no conflicts (2 of 4 stars). 2 submissions from 2 submitters: Pathogenic (2). Last evaluated 2024-03-14.

Conditions:
Lissencephaly 8 (LIS8). Identifiers: MedGen C4310646, MONDO:0014992, OMIM 617255.

Allele frequency attached by ClinVar (database versions not stated): TOPMed below 0.00001; gnomAD exomes 0.00001.
gnomAD v4.1: 8 of 1,599,148 alleles (0.0005%); highest among the groups gnomAD compares: African/African-American, 0.0013%; no homozygotes.

Submissions (2):

Pittsburgh Clinical Genomics Laboratory, University of Pittsburgh Medical Center
Classification: Pathogenic for Lissencephaly 8. Last evaluated: 2024-03-14. Review status: criteria provided, single submitter. Criteria: ACMG Guidelines, 2015. Collection method: clinical testing. Allele origin: germline. Inheritance: Autosomal recessive inheritance. Affected: yes.
Comment: This sequence variant is a single nucleotide substitution (C>T) at position 1966 of the coding sequence of the TMTC3 gene changes Arg656 to an early termination codon. As it occurs in the final exon, this variant is not expected to result in nonsense-mediated decay; instead, this variant is expected to result in a non-functional truncated protein which lacks the last ~28% of the protein, including several TPR repeats (UniProt). This is a previously reported variant (ClinVar 1456984) that has not been observed in the literature in individuals affected by TMTC3-related disease, to our knowledge. This variant is present in 8/1447324 alleles (0.0005527%) in gnomAD v4.0.0 population database. Truncating TMTC3 variants downstream of this location are known to cause disease (PMID: 27773428). Based upon the evidence, we consider this variant to be pathogenic. ACMG Criteria: PM2, PVS1

Labcorp Genetics (formerly Invitae), Labcorp
Classification: Pathogenic. Last evaluated: 2022-02-04. Review status: criteria provided, single submitter. Criteria: Invitae Variant Classification Sherloc (09022015). Collection method: clinical testing. Allele origin: germline.
Comment: For these reasons, this variant has been classified as Pathogenic. This variant disrupts a region of the TMTC3 protein in which other variant(s) (p.Leu729Thrfs*6) have been determined to be pathogenic (PMID: 28973161). This suggests that this is a clinically significant region of the protein, and that variants that disrupt it are likely to be disease-causing. This variant has not been reported in the literature in individuals affected with TMTC3-related conditions. This variant is not present in population databases (gnomAD no frequency). This sequence change creates a premature translational stop signal (p.Arg656*) in the TMTC3 gene. While this is not anticipated to result in nonsense mediated decay, it is expected to disrupt the last 259 amino acid(s) of the TMTC3 protein.

Literature cited by the submitters: PubMed 27773428 (cited by Pittsburgh Clinical Genomics Laboratory, University of Pittsburgh Medical Center); PubMed 28973161 (cited by Labcorp Genetics (formerly Invitae), Labcorp).

NM_181783.4(TMTC3):c.1966C>T (p.Arg656Ter)

Gene: TMTC3 (transmembrane O-mannosyltransferase targeting cadherins 3; plus strand). Cytogenetic location: 12q21.32.
Variant type: single nucleotide variant.
Coding change: c.1966C>T on transcript NM_181783.4 (MANE Select); coding-DNA position 1966, C replaced by T.
Protein change: p.Arg656Ter; replaces arginine 656 with a stop codon.
Molecular consequence: nonsense. On other transcripts: non-coding transcript variant (1).
Genome position (GRCh38, 1-based): chr12:88,194,870, C>T. VCF-style: chr12-88194870-C-T. GRCh37 (hg19) VCF-style: chr12-88588647-C-T.
Other names: c.1786C>T, p.Arg596Ter (NM_001366574.1); c.1747C>T, p.Arg583Ter (NM_001366579.1); c.1699C>T, p.Arg567Ter (NM_001366580.1); c.1273C>T, p.Arg425Ter (NM_001366583.1); short protein forms R567*, R425*, R583*, R656*, R596*.
Identifiers: ClinVar variation 1456984 (VCV001456984.7), dbSNP rs2041490074, ClinGen allele CA386118544.